The following is an entry in ClinVar:

ClinVar aggregate classification (germline): Likely benign. Review status: criteria provided, multiple submitters, no conflicts (2 of 4 stars). 3 submissions from 3 submitters: Likely benign (3). Last evaluated 2026-03-02.

Conditions:
DTNBP1-related disorder. Also called: DTNBP1-related condition.

Allele frequency attached by ClinVar (database versions not stated): TOPMed 0.00003; ExAC 0.00004; gnomAD exomes 0.00004 and 0.00005; gnomAD 0.00005.
gnomAD v4.1: 60 of 1,613,966 alleles (0.0037%); highest among the groups gnomAD compares: Non-Finnish European, 0.0049%; no homozygotes.

Submissions (3):

PreventionGenetics, part of Exact Sciences
Classification: Likely benign for DTNBP1-related condition. Last evaluated: 2026-03-02. Review status: criteria provided, single submitter. Criteria: ACMG Guidelines, 2015. Collection method: clinical testing. Allele origin: germline.
Comment: This variant is classified as likely benign based on ACMG/AMP sequence variant interpretation guidelines (Richards et al. 2015 PMID: 25741868, with internal and published modifications).

Labcorp Genetics (formerly Invitae), Labcorp
Classification: Likely benign. Last evaluated: 2025-10-22. Review status: criteria provided, single submitter. Criteria: Invitae Variant Classification Sherloc (09022015). Collection method: clinical testing. Allele origin: germline.

Blueprint Genetics
Classification: Likely benign. Last evaluated: 2024-11-18. Review status: criteria provided, single submitter. Criteria: ACMG Guidelines, 2015. Collection method: clinical testing. Allele origin: germline.

NM_032122.5(DTNBP1):c.396G>C (p.Leu132=)

Gene: DTNBP1 (dystrobrevin binding protein 1; minus strand). Cytogenetic location: 6p22.3.
Variant type: single nucleotide variant.
Coding change: c.396G>C on transcript NM_032122.5 (MANE Select); coding-DNA position 396, G replaced by C.
Protein change: p.Leu132=; no amino-acid change (leucine 132 retained).
Molecular consequence: synonymous variant. On other transcripts: non-coding transcript variant (1).
Genome position (GRCh38, 1-based): chr6:15,615,359, C>G on the plus strand (G>C on the coding strand, the complement: DTNBP1 is on the minus strand). VCF-style: chr6-15615359-C-G. GRCh37 (hg19) VCF-style: chr6-15615590-C-G.
Other names: c.153G>C, p.Leu51= (NM_001271667.2); c.345G>C, p.Leu115= (NM_001271668.2); c.291G>C, p.Leu97= (NM_001271669.2); c.396G>C, p.Leu132= (NM_183040.2); c.396G>C (NM_032122.4).
Identifiers: ClinVar variation 1666565 (VCV001666565.10), dbSNP rs200644873, ClinGen allele CA3644137.